The following is an entry in ClinVar:

ClinVar aggregate classification (germline): Likely pathogenic (1 of 4 stars; one submission).

Conditions:
Dilated cardiomyopathy 1G (CMD1G). Identifiers: Orphanet 154, MedGen C1858763, MONDO:0011400, OMIM 604145.
Autosomal recessive limb-girdle muscular dystrophy type 2J (LGMDR10). Also called: Limb-girdle muscular dystrophy, type 2J; MUSCULAR DYSTROPHY, LIMB-GIRDLE, AUTOSOMAL RECESSIVE 10. Identifiers: Orphanet 140922, MedGen C1837342, MONDO:0012127, OMIM 608807.

Submission:

Labcorp Genetics (formerly Invitae), Labcorp
Classification: Likely pathogenic for Dilated cardiomyopathy 1G; Autosomal recessive limb-girdle muscular dystrophy type 2J. Last evaluated: 2025-03-11. Review status: criteria provided, single submitter. Criteria: Invitae Variant Classification Sherloc (09022015). Collection method: clinical testing. Allele origin: germline.
Comment: This sequence change creates a premature translational stop signal (p.Gln6454*) in the TTN gene. While this is not anticipated to result in nonsense mediated decay, it is expected to create a truncated TTN protein. This variant is not present in population databases (gnomAD no frequency). This variant has not been reported in the literature in individuals affected with TTN-related conditions. This variant is located in the I band of TTN (PMID: 25589632). Truncating variants in this region have been reported in individuals affected with autosomal recessive centronuclear myopathy (PMID: 23975875, internal data). Truncating variants in this region have also been identified in individuals affected with autosomal dominant dilated cardiomyopathy and/or cardio-related conditions (PMID: 27869827, 32964742, internal data). In summary, the currently available evidence indicates that the variant is pathogenic, but additional data are needed to prove that conclusively. Therefore, this variant has been classified as Likely Pathogenic.

Literature cited by the submitters: PubMed 25589632; PubMed 23975875; PubMed 27869827; PubMed 32964742.

NM_001267550.2(TTN):c.19360C>T (p.Gln6454Ter)

Gene: TTN (titin; minus strand). Cytogenetic location: 2q31.2.
Variant type: single nucleotide variant.
Coding change: c.19360C>T on transcript NM_001267550.2 (MANE Select); coding-DNA position 19360, C replaced by T.
Protein change: p.Gln6454Ter; replaces glutamine 6454 with a stop codon.
Molecular consequence: nonsense. On other transcripts: intron variant (3).
Genome position (GRCh38, 1-based): chr2:178,728,566, G>A on the plus strand (C>T on the coding strand, the complement: TTN is on the minus strand). VCF-style: chr2-178728566-G-A. GRCh37 (hg19) VCF-style: chr2-179593293-G-A.
Other names: c.18409C>T, p.Gln6137Ter (NM_001256850.1); c.15628C>T, p.Gln5210Ter (NM_133378.4); c.13282+9516C>T (NM_003319.4); c.13858+9516C>T (NM_133437.4); c.13657+9516C>T (NM_133432.3); short protein forms Q6137*, Q6454*, Q5210*.
Identifiers: ClinVar variation 4784358 (VCV004784358.1).
Genomic context (GRCh38, chr2:178,728,566, plus strand): 5'-CTCTTAAGTAGGCATCACAGCTACTGCTTCCGAAGTCATTTTCCACCTTGAAAGTGTACT[G>A]ACCGCTGTCCTGCTTCATTACTGACTGAATTCTAAAACTGGCCACGTTATTTTCAAAACT-3'